The following is an entry in ClinVar:

NM_000632.4(ITGAM):c.103G>A (p.Gly35Arg)

Gene: ITGAM (integrin subunit alpha M; plus strand). Cytogenetic location: 16p11.2.
Variant type: single nucleotide variant.
Coding change: c.103G>A on transcript NM_000632.4 (MANE Select); coding-DNA position 103, G replaced by A.
Protein change: p.Gly35Arg; replaces glycine 35 with arginine.
Molecular consequence: missense variant.
Genome position (GRCh38, 1-based): chr16:31,261,766, G>A. VCF-style: chr16-31261766-G-A. GRCh37 (hg19) VCF-style: chr16-31273087-G-A.
Other names: c.103G>A, p.Gly35Arg (NM_001145808.2); short protein forms G35R.
Identifiers: ClinVar variation 1524198 (VCV001524198.8), dbSNP rs2079702079, ClinGen allele CA395680093.
Genomic context (GRCh38, chr16:31,261,766, plus strand): 5'-CATGGGTTCAACTTGGACACTGAAAACGCAATGACCTTCCAAGAGAACGCAAGGGGCTTC[G>A]GGCAGAGCGTGGTCCAGCTTCAGGGATCCAGGTGAGACCCTTAGATGGAGCCCCCTTTCT-3'
Protein context (NP_000623.2, residues 25-45): MTFQENARGF[Gly35Arg]QSVVQLQGSR

ClinVar aggregate classification (germline): Uncertain significance (1 of 4 stars; one submission).

Allele frequency attached by ClinVar (database versions not stated): gnomAD exomes 0.00001.
gnomAD v4.1: 8 of 1,613,000 alleles (0.0005%); highest among the groups gnomAD compares: Middle Eastern, 0.016%; no homozygotes.

Submission:

Labcorp Genetics (formerly Invitae), Labcorp
Classification: Uncertain significance. Last evaluated: 2022-07-11. Review status: criteria provided, single submitter. Criteria: Invitae Variant Classification Sherloc (09022015). Collection method: clinical testing. Allele origin: germline.
Comment: In summary, the available evidence is currently insufficient to determine the role of this variant in disease. Therefore, it has been classified as a Variant of Uncertain Significance. Algorithms developed to predict the effect of missense changes on protein structure and function are either unavailable or do not agree on the potential impact of this missense change (SIFT: "Deleterious"; PolyPhen-2: "Probably Damaging"; Align-GVGD: "Class C0"). ClinVar contains an entry for this variant (Variation ID: 1524198). This variant has not been reported in the literature in individuals affected with ITGAM-related conditions. This variant is not present in population databases (gnomAD no frequency). This sequence change replaces glycine, which is neutral and non-polar, with arginine, which is basic and polar, at codon 35 of the ITGAM protein (p.Gly35Arg).